The following is an entry in ClinVar:

NM_015122.3(FCHO1):c.243G>A (p.Leu81=)

Gene: FCHO1 (FCH and mu domain containing endocytic adaptor 1; plus strand). Cytogenetic location: 19p13.11.
Variant type: single nucleotide variant.
Coding change: c.243G>A on transcript NM_015122.3 (MANE Select); coding-DNA position 243, G replaced by A.
Protein change: p.Leu81=; no amino-acid change (leucine 81 retained).
Molecular consequence: synonymous variant. On other transcripts: non-coding transcript variant (34).
Genome position (GRCh38, 1-based): chr19:17,766,717, G>A. VCF-style: chr19-17766717-G-A. GRCh37 (hg19) VCF-style: chr19-17877526-G-A.
Other names: c.243G>A, p.Leu81= (NM_001161357.2, NM_001161358.2, NM_001384370.1 and 29 more transcripts); c.93G>A, p.Leu31= (NM_001161359.2, NM_001384384.1, NM_001384385.1 and 3 more transcripts); c.168G>A, p.Leu56= (NM_001384390.1).
Identifiers: ClinVar variation 1576716 (VCV001576716.9), dbSNP rs777936504, ClinGen allele CA9300029.

ClinVar aggregate classification (germline): Likely benign. Review status: criteria provided, multiple submitters, no conflicts (2 of 4 stars). 2 submissions from 2 submitters: Likely benign (2). Last evaluated 2026-04-01.

Allele frequency attached by ClinVar (database versions not stated): gnomAD exomes 0.00001 and 0.00004; ExAC 0.00002; gnomAD 0.00009 and 0.00010; TOPMed 0.00014.
gnomAD v4.1: 25 of 1,614,038 alleles (0.0015%); highest among the groups gnomAD compares: African/African-American, 0.024%; no homozygotes.

Submissions (2):

Women's Health and Genetics/Laboratory Corporation of America, LabCorp
Classification: Likely benign. Last evaluated: 2026-04-01. Review status: criteria provided, single submitter. Criteria: LabCorp Variant Classification Summary - May 2015. Collection method: clinical testing. Allele origin: germline.
Comment: Variant summary: FCHO1 c.243G>A results in a synonymous change. Consensus agreement among computation tools predict no significant impact on normal splicing. However, these predictions have yet to be confirmed by functional studies. The variant allele was found at a frequency of 3.6e-05 in 251164 control chromosomes. The available data on variant occurrences in the general population are insufficient to allow any conclusion about variant significance. To our knowledge, no occurrence of c.243G>A in individuals affected with FCHO1-related conditions and no experimental evidence demonstrating its impact on protein function have been reported. ClinVar contains an entry for this variant (Variation ID: 1576716). Based on the evidence outlined above, the variant was classified as likely benign.

Labcorp Genetics (formerly Invitae), Labcorp
Classification: Likely benign. Last evaluated: 2025-03-25. Review status: criteria provided, single submitter. Criteria: Invitae Variant Classification Sherloc (09022015). Collection method: clinical testing. Allele origin: germline.